The following is an entry in ClinVar:

ClinVar aggregate classification (germline): Likely benign (1 of 4 stars; one submission).

Allele frequency attached by ClinVar (database versions not stated): gnomAD exomes 0.00001; TOPMed 0.00003; ExAC 0.00004; gnomAD 0.00004; ESP Exome Variant Server 0.00008.
gnomAD v4.1: 24 of 1,590,188 alleles (0.0015%); highest among the groups gnomAD compares: African/African-American, 0.0081%; no homozygotes.

Submission:

CeGaT Center for Human Genetics Tuebingen
Classification: Likely benign. Last evaluated: 2023-06-01. Review status: criteria provided, single submitter. Criteria: CeGaT Center For Human Genetics Tuebingen Variant Classification Criteria Version 2. Collection method: clinical testing. Allele origin: germline. Affected: yes. Observed: 1 variant allele.
Comment: KCNC2: PP3, BS1

NM_139137.4(KCNC2):c.709T>C (p.Phe237Leu)

Gene: KCNC2 (potassium voltage-gated channel subfamily C member 2; minus strand). Cytogenetic location: 12q21.1.
Variant type: single nucleotide variant.
Coding change: c.709T>C on transcript NM_139137.4 (MANE Select); coding-DNA position 709, T replaced by C.
Protein change: p.Phe237Leu; replaces phenylalanine 237 with leucine.
Molecular consequence: missense variant. On other transcripts: non-coding transcript variant (2).
Genome position (GRCh38, 1-based): chr12:75,051,296, A>G on the plus strand (T>C on the coding strand, the complement: KCNC2 is on the minus strand). VCF-style: chr12-75051296-A-G. GRCh37 (hg19) VCF-style: chr12-75445076-A-G.
Other names: c.709T>C, p.Phe237Leu (NM_001260497.2, NM_001260498.2, NM_001260499.2 and 13 more transcripts); short protein forms F237L.
Identifiers: ClinVar variation 2643181 (VCV002643181.24), dbSNP rs201918890, ClinGen allele CA6691185.